The following is an entry in ClinVar:

ClinVar aggregate classification (germline): Likely pathogenic. Review status: criteria provided, multiple submitters, no conflicts (2 of 4 stars). 2 submissions from 2 submitters: Likely pathogenic (2). Last evaluated 2019-08-07.

Conditions:
SCN1A-related disorder. Also called: SCN1A-related disorders; SCN1A-related conditions; SCN1A-related condition.

Submissions (2):

Athena Diagnostics
Classification: Likely pathogenic. Last evaluated: 2019-08-07. Review status: criteria provided, single submitter. Criteria: Athena Diagnostics Criteria. Collection method: clinical testing. Allele origin: germline.
Comment: Not found in the total gnomAD dataset, and the data is high quality (0/278298 chr). Splicing predictions are inconclusive. Nucleotide conservation is uninformative.

Blueprint Genetics
Classification: Likely pathogenic for SCN1A-related disorders. Last evaluated: 2019-01-11. Review status: criteria provided, single submitter. Criteria: ACMG Guidelines, 2015. Collection method: clinical testing. Allele origin: germline. Affected: yes. Observed: 1 variant allele.

NM_001165963.4(SCN1A):c.4476+6T>G

Genes: SCN1A (sodium voltage-gated channel alpha subunit 1; minus strand), LOC102724058 (uncharacterized LOC102724058; plus strand). Cytogenetic location: 2q24.3.
Variant type: single nucleotide variant.
Coding change: c.4476+6T>G on transcript NM_001165963.4 (MANE Select); 6 bases into the intron after coding-DNA position 4476, T replaced by G.
Molecular consequence: intron variant.
Genome position (GRCh38, 1-based): chr2:165,998,032, A>C on the plus strand (T>G on the coding strand, the complement: SCN1A is on the minus strand). VCF-style: chr2-165998032-A-C. GRCh37 (hg19) VCF-style: chr2-166854542-A-C.
Other names: c.4443+6T>G (NM_001353949.2, NM_001353950.2, NM_001353951.2 and 2 more transcripts); c.4392+6T>G (NM_001353958.2, NM_001353957.2, NM_001165964.3); c.4476+6T>G (NM_001202435.3, NM_001353948.2); c.4440+6T>G (NM_001353955.2, NM_001353954.2); c.4389+6T>G (NM_001353960.2); c.2034+6T>G (NM_001353961.2).
Identifiers: ClinVar variation 805383 (VCV000805383.2), dbSNP rs1057523807, ClinGen allele CA915942872.
Genomic context (GRCh38, chr2:165,998,032, plus strand): 5'-GCAGAGAAAACACTCCAAGGAATAATTTTCTATCTCAGTGGGAGAGAAAATATTAGAAAT[A>C]CTTATCTTCTTTTTCTGCTGGTTGAAATTATCTATGATGACACCAATAAACAGGTTCAAG-3'